The following is an entry in ClinVar:

NM_015158.5(KANK1):c.81G>A (p.Gln27=)

Gene: KANK1 (KN motif and ankyrin repeat domains 1; plus strand). Cytogenetic location: 9p24.3.
Variant type: single nucleotide variant.
Coding change: c.81G>A on transcript NM_015158.5 (MANE Select); coding-DNA position 81, G replaced by A.
Protein change: p.Gln27=; no amino-acid change (glutamine 27 retained).
Molecular consequence: synonymous variant. On other transcripts: 5 prime UTR variant (12), non-coding transcript variant (1).
Genome position (GRCh38, 1-based): chr9:710,847, G>A. VCF-style: chr9-710847-G-A. GRCh37 (hg19) VCF-style: chr9-710847-G-A.
Other names: c.81G>A, p.Gln27= (NM_001256876.3, NM_001256877.3, NM_001354331.2 and 2 more transcripts); c.-394G>A (NM_001354333.2, NM_001354335.2, NM_001354336.2 and 9 more transcripts).
Identifiers: ClinVar variation 3898337 (VCV003898337.7).

ClinVar aggregate classification (germline): Likely benign (1 of 4 stars; one submission).

gnomAD v4.1: 70 of 1,612,106 alleles (0.0043%); highest among the groups gnomAD compares: Non-Finnish European, 0.0025%; no homozygotes.

Submission:

CeGaT Center for Human Genetics Tuebingen
Classification: Likely benign. Last evaluated: 2025-04-01. Review status: criteria provided, single submitter. Criteria: CeGaT Center For Human Genetics Tuebingen Variant Classification Criteria Version 2. Collection method: clinical testing. Allele origin: germline. Affected: yes. Observed: 1 variant allele.
Comment: KANK1: BP4, BP7